The following is an entry in ClinVar:

NM_000059.4(BRCA2):c.2839T>A (p.Leu947Met)

Gene: BRCA2 (BRCA2 DNA repair associated; plus strand). Cytogenetic location: 13q13.1.
Variant type: single nucleotide variant.
Coding change: c.2839T>A on transcript NM_000059.4 (MANE Select); coding-DNA position 2839, T replaced by A.
Protein change: p.Leu947Met; replaces leucine 947 with methionine.
Molecular consequence: missense variant. On other transcripts: non-coding transcript variant (1), intron variant (2).
Genome position (GRCh38, 1-based): chr13:32,337,194, T>A. VCF-style: chr13-32337194-T-A. GRCh37 (hg19) VCF-style: chr13-32911331-T-A.
Other names: c.2839T>A, p.Leu947Met (NM_001406719.1, NM_001406720.1, NM_001432077.1); c.1909+3807T>A (NM_001406721.1); c.424+6164T>A (NM_001406722.1); short protein forms L947M.
Identifiers: ClinVar variation 3636444 (VCV003636444.2).
Genomic context (GRCh38, chr13:32,337,194, plus strand): 5'-ATGGTTTTATATGGAGACACAGGTGATAAACAAGCAACCCAAGTGTCAATTAAAAAAGAT[T>A]TGGTTTATGTTCTTGCAGAGGAGAACAAAAATAGTGTAAAGCAGCATATAAAAATGACTC-3'
Protein context (NP_000050.3, residues 937-957): QATQVSIKKD[Leu947Met]VYVLAEENKN

ClinVar aggregate classification (germline): Uncertain significance (1 of 4 stars; one submission).

Conditions:
Hereditary breast ovarian cancer syndrome. Also called: Hereditary breast and ovarian cancer syndrome; Hereditary breast and ovarian cancer syndrome (HBOC); BRCA1- and BRCA2-Associated Hereditary Breast and Ovarian Cancer; Hereditary breast and ovarian cancer; Breast and ovarian cancer; Hereditary breast and/or ovarian cancer syndrome. Identifiers: Orphanet 145, MedGen C0677776, MeSH D061325, MONDO:0003582. Disease mechanism: loss of function.

Submission:

Labcorp Genetics (formerly Invitae), Labcorp
Classification: Uncertain significance for Hereditary breast ovarian cancer syndrome. Last evaluated: 2024-04-03. Review status: criteria provided, single submitter. Criteria: Invitae Variant Classification Sherloc (09022015). Collection method: clinical testing. Allele origin: germline.
Comment: This sequence change replaces leucine, which is neutral and non-polar, with methionine, which is neutral and non-polar, at codon 947 of the BRCA2 protein (p.Leu947Met). This variant is not present in population databases (gnomAD no frequency). This variant has not been reported in the literature in individuals affected with BRCA2-related conditions. Advanced modeling of protein sequence and biophysical properties (such as structural, functional, and spatial information, amino acid conservation, physicochemical variation, residue mobility, and thermodynamic stability) performed at Invitae indicates that this missense variant is not expected to disrupt BRCA2 protein function with a negative predictive value of 95%. In summary, the available evidence is currently insufficient to determine the role of this variant in disease. Therefore, it has been classified as a Variant of Uncertain Significance.